The following is an entry in ClinVar:

NM_018139.3(DNAAF2):c.226_232dup (p.Leu78fs)

Gene: DNAAF2 (dynein axonemal assembly factor 2; minus strand). Cytogenetic location: 14q21.3.
Variant type: Duplication.
Coding change: c.226_232dup on transcript NM_018139.3 (MANE Select); coding-DNA positions 226 to 232, 7 bases duplicated (CATGTGC; older notation c.226_232dupCATGTGC).
Protein change: p.Leu78fs; shifts the reading frame from leucine 78.
Molecular consequence: frameshift variant.
Genome position (GRCh38, 1-based): chr14:49,634,918-49,634,924, GCACATG duplicated on the plus strand (CATGTGC on the coding strand, the reverse complement: DNAAF2 is on the minus strand); duplicating any 7 consecutive bases within chr14:49,634,918-49,634,926 gives the same sequence; the c. name uses the placement nearest the transcript's 3' end. VCF-style (leftmost placement, unchanged base first): chr14-49634917-A-AGCACATG. GRCh37 (hg19) VCF-style: chr14-50101635-A-AGCACATG.
Other names: c.226_232dupCATGTGC (NM_018139.2); c.226_232dup, p.Leu78fs (NM_001083908.2); short protein forms L78fs.
Identifiers: ClinVar variation 454904 (VCV000454904.10), dbSNP rs1555328130, ClinGen allele CA658658255.
Genomic context (GRCh38, chr14:49,634,917, plus strand): 5'-ACCAACGCGTTGCTGCAGACATTCACAAAGCAGCGCCGCGCCCCGTCCAGGCTGGTGCGC[A>AGCACATG]GCACATGGCCGGGCTCCGGGTGCACGAACCGCACTTCCACCCCGCGCTCACGCTCTAGCG-3'

ClinVar aggregate classification (germline): Pathogenic (1 of 4 stars; one submission).

Conditions:
Primary ciliary dyskinesia. Also called: Ciliary dyskinesia. Identifiers: Orphanet 244, MedGen C0008780, MONDO:0016575, HP:0012265.

Submission:

Labcorp Genetics (formerly Invitae), Labcorp
Classification: Pathogenic for Primary ciliary dyskinesia. Last evaluated: 2022-09-27. Review status: criteria provided, single submitter. Criteria: Invitae Variant Classification Sherloc (09022015). Collection method: clinical testing. Allele origin: germline.
Comment: For these reasons, this variant has been classified as Pathogenic. ClinVar contains an entry for this variant (Variation ID: 454904). This premature translational stop signal has been observed in individual(s) with primary ciliary dyskinesia (Invitae). This variant is not present in population databases (gnomAD no frequency). This sequence change creates a premature translational stop signal (p.Leu78Profs*118) in the DNAAF2 gene. It is expected to result in an absent or disrupted protein product. Loss-of-function variants in DNAAF2 are known to be pathogenic (PMID: 19052621, 24498942).

Literature cited by the submitters: PubMed 19052621; PubMed 24498942.